The following is an entry in ClinVar:

ClinVar aggregate classification (germline): Benign/Likely benign. Review status: criteria provided, multiple submitters, no conflicts (2 of 4 stars). 3 submissions from 3 submitters: Benign (1); Likely benign (2). Last evaluated 2024-05-01.

Conditions:
Developmental and epileptic encephalopathy, 9 (DEE9). Also called: JUBERG-HELLMAN SYNDROME; EPILEPSY, FEMALE-RESTRICTED, WITH MENTAL RETARDATION; Early infantile epileptic encephalopathy 9; PCDH19-Related X-Linked Female-Limited Epilepsy with Mental Retardation. Identifiers: Orphanet 101039, Orphanet 2076, MedGen C1848137, MONDO:0010246, OMIM 300088. Disease mechanism: loss of function.

Allele frequency attached by ClinVar (database versions not stated): gnomAD 0.00001; gnomAD exomes 0.00001; TOPMed 0.00004.
gnomAD v4.1: 13 of 1,209,632 alleles (0.0011%); highest among the groups gnomAD compares: Middle Eastern, 0.023%; no homozygotes.

Submissions (3):

CeGaT Center for Human Genetics Tuebingen
Classification: Likely benign. Last evaluated: 2024-05-01. Review status: criteria provided, single submitter. Criteria: CeGaT Center For Human Genetics Tuebingen Variant Classification Criteria Version 2. Collection method: clinical testing. Allele origin: germline. Affected: yes. Observed: 1 variant allele.
Comment: PCDH19: BP4, BP7

Labcorp Genetics (formerly Invitae), Labcorp
Classification: Likely benign for Developmental and epileptic encephalopathy, 9. Last evaluated: 2024-02-26. Review status: criteria provided, single submitter. Criteria: Invitae Variant Classification Sherloc (09022015). Collection method: clinical testing. Allele origin: germline.

GeneDx
Classification: Benign. Last evaluated: 2014-02-07. Review status: criteria provided, single submitter. Criteria: GeneDx Variant Classification (06012015). Collection method: clinical testing. Allele origin: germline. Affected: yes.
Comment: This variant is considered likely benign or benign based on one or more of the following criteria: it is a conservative change, it occurs at a poorly conserved position in the protein, it is predicted to be benign by multiple in silico algorithms, and/or has population frequency not consistent with disease.

NM_001184880.2(PCDH19):c.3351T>C (p.Asp1117=)

Gene: PCDH19 (protocadherin 19; minus strand). Cytogenetic location: Xq22.1.
Variant type: single nucleotide variant.
Coding change: c.3351T>C on transcript NM_001184880.2 (MANE Select); coding-DNA position 3351, T replaced by C.
Protein change: p.Asp1117=; no amino-acid change (aspartic acid 1117 retained).
Molecular consequence: synonymous variant.
Genome position (GRCh38, 1-based): chrX:100,296,373, A>G on the plus strand (T>C on the coding strand, the complement: PCDH19 is on the minus strand). VCF-style: chrX-100296373-A-G. GRCh37 (hg19) VCF-style: chrX-99551371-A-G.
Other names: p.D1070D:GAT>GAC; c.3210T>C, p.Asp1070= (NM_001105243.2); c.3207T>C, p.Asp1069= (NM_020766.3).
Identifiers: ClinVar variation 138594 (VCV000138594.25), dbSNP rs587781107, ClinGen allele CA292692.